The following is an entry in ClinVar:

ClinVar aggregate classification (germline): Uncertain significance. Review status: criteria provided, multiple submitters, no conflicts (2 of 4 stars). 2 submissions from 2 submitters: Uncertain significance (2). Last evaluated 2025-02-01.

Allele frequency attached by ClinVar (database versions not stated): gnomAD exomes below 0.00001.
gnomAD v4.1: 1 of 1,613,004 alleles (0.000062%); highest among the groups gnomAD compares: Non-Finnish European, 0.000085%; no homozygotes.

Submissions (2):

CeGaT Center for Human Genetics Tuebingen
Classification: Uncertain significance. Last evaluated: 2025-02-01. Review status: criteria provided, single submitter. Criteria: CeGaT Center For Human Genetics Tuebingen Variant Classification Criteria Version 2. Collection method: clinical testing. Allele origin: germline. Affected: yes. Observed: 1 variant allele.
Comment: GRIN2A: PM2, PP2

Institute for Clinical Genetics, University Hospital TU Dresden, University Hospital TU Dresden
Classification: Uncertain significance. Last evaluated: 2021-11-03. Review status: criteria provided, single submitter. Criteria: ACMG Guidelines, 2015. Collection method: clinical testing. Allele origin: germline.

NM_001134407.3(GRIN2A):c.481A>T (p.Ile161Phe)

Gene: GRIN2A (glutamate ionotropic receptor NMDA type subunit 2A; minus strand). Cytogenetic location: 16p13.2.
Variant type: single nucleotide variant.
Coding change: c.481A>T on transcript NM_001134407.3 (MANE Select); coding-DNA position 481, A replaced by T.
Protein change: p.Ile161Phe; replaces isoleucine 161 with phenylalanine.
Molecular consequence: missense variant.
Genome position (GRCh38, 1-based): chr16:9,938,485, T>A on the plus strand (A>T on the coding strand, the complement: GRIN2A is on the minus strand). VCF-style: chr16-9938485-T-A. GRCh37 (hg19) VCF-style: chr16-10032342-T-A.
Other names: c.481A>T, p.Ile161Phe (NM_000833.5, NM_001134408.2); short protein forms I161F.
Identifiers: ClinVar variation 1319302 (VCV001319302.16), dbSNP rs2141632802, ClinGen allele CA394799365.
Genomic context (GRCh38, chr16:9,938,485, plus strand): 5'-TGTAGCCAGGGAAGATAGTGGTCACCAGGGAGAAGACATGCCAGTCATAATCCTGCATGA[T>A]CTTCAGCATGACCGTGGCTTGCTGCTGGATGGACGCTCCAAACTGGAAGAAGGTAGACGT-3'
Protein context (NP_001127879.1, residues 151-171): IQQQATVMLK[Ile161Phe]MQDYDWHVFS